The following is an entry in ClinVar:

ClinVar aggregate classification (germline): Uncertain significance. Review status: criteria provided, multiple submitters, no conflicts (2 of 4 stars). 2 submissions from 2 submitters: Uncertain significance (2). Last evaluated 2026-01-05.

Conditions:
Brugada syndrome. Also called: Sudden Unexplained Death Syndrome; Sudden Unexplained Nocturnal Death Syndrome (SUNDS); Sudden unexpected nocturnal death syndrome; Sudden unexplained nocturnal death syndrome. Identifiers: Orphanet 130, MedGen C1142166, MONDO:0015263.

Allele frequency attached by ClinVar (database versions not stated): gnomAD exomes below 0.00001 and 0.00001; TOPMed below 0.00001.

Submissions (2):

Labcorp Genetics (formerly Invitae), Labcorp
Classification: Uncertain significance for Brugada syndrome. Last evaluated: 2026-01-05. Review status: criteria provided, single submitter. Criteria: Invitae Variant Classification Sherloc (09022015). Collection method: clinical testing. Allele origin: germline.
Comment: This sequence change replaces glycine, which is neutral and non-polar, with arginine, which is basic and polar, at codon 387 of the SLMAP protein (p.Gly387Arg). This variant is present in population databases (no rsID available, gnomAD 0.004%). This variant has not been reported in the literature in individuals affected with SLMAP-related conditions. ClinVar contains an entry for this variant (Variation ID: 1388188). An algorithm developed to predict the effect of missense changes on protein structure and function (PolyPhen-2) suggests that this variant is likely to be disruptive. Algorithms developed to predict the effect of sequence changes on RNA splicing suggest that this variant may disrupt the consensus splice site. In summary, the available evidence is currently insufficient to determine the role of this variant in disease. Therefore, it has been classified as a Variant of Uncertain Significance.

Ambry Genetics
Classification: Uncertain significance. Last evaluated: 2025-06-23. Review status: criteria provided, single submitter. Criteria: Ambry Variant Classification Scheme 2023. Collection method: clinical testing. Allele origin: germline.
Comment: The p.G387R variant (also known as c.1159G>A), located in coding exon 11 of the SLMAP gene, results from a G to A substitution at nucleotide position 1159. The glycine at codon 387 is replaced by arginine, an amino acid with dissimilar properties. This amino acid position is conserved. In addition, this alteration is predicted to be tolerated by in silico analysis. Based on the available evidence, the clinical significance of this variant remains unclear.

NM_001377540.1(SLMAP):c.1261G>A (p.Gly421Arg)

Gene: SLMAP (sarcolemma associated protein; plus strand). Cytogenetic location: 3p14.3.
Variant type: single nucleotide variant.
Coding change: c.1261G>A on transcript NM_001377540.1 (MANE Select); coding-DNA position 1261, G replaced by A.
Protein change: p.Gly421Arg; replaces glycine 421 with arginine.
Molecular consequence: missense variant. On other transcripts: non-coding transcript variant (1), intron variant (9).
Genome position (GRCh38, 1-based): chr3:57,871,659, G>A. VCF-style: chr3-57871659-G-A. GRCh37 (hg19) VCF-style: chr3-57857386-G-A.
Other names: c.1159G>A (NM_007159.2); c.1210G>A, p.Gly404Arg (NM_001304420.3, NM_001377541.1, NM_001377542.1 and 2 more transcripts); c.1261G>A, p.Gly421Arg (NM_001377538.1, NM_001377539.1, NM_001377555.1); c.1159G>A, p.Gly387Arg (NM_001377549.1, NM_001377923.1, NM_007159.5); c.1237+6367G>A (NM_001377545.1, NM_001377922.1); c.1186+6802G>A (NM_001377552.1, NM_001377551.1, NM_001377924.1); c.1135+6943G>A (NM_001377559.1, NM_001377557.1, NM_001377925.1 and 1 more transcripts); short protein forms G387R, G404R, G421R.
Identifiers: ClinVar variation 1388188 (VCV001388188.7), dbSNP rs1203771969, ClinGen allele CA353410052.
Genomic context (GRCh38, chr3:57,871,659, plus strand): 5'-CAAACTATATCCTTAAAGGTGTTTCTTTCTTTATTAGAGCACTTGCTTTCAAAGAGTGGC[G>A]GGGACTGCACTTTTATTCATCAATTCATAGAATGCCAGAGTGAGTACAGAGTATTTTTCA-3'
Protein context (NP_001364469.1, residues 411-431): EKEHLLSKSG[Gly421Arg]DCTFIHQFIE